The following is an entry in ClinVar:

NM_001330260.2(SCN8A):c.1975A>G (p.Ile659Val)

Gene: SCN8A (sodium voltage-gated channel alpha subunit 8; plus strand). Cytogenetic location: 12q13.13.
Variant type: single nucleotide variant.
Coding change: c.1975A>G on transcript NM_001330260.2 (MANE Select); coding-DNA position 1975, A replaced by G.
Protein change: p.Ile659Val; replaces isoleucine 659 with valine.
Molecular consequence: missense variant.
Genome position (GRCh38, 1-based): chr12:51,721,885, A>G. VCF-style: chr12-51721885-A-G. GRCh37 (hg19) VCF-style: chr12-52115669-A-G.
Other names: c.1975A>G, p.Ile659Val (NM_001177984.3, NM_001369788.1, NM_014191.4); short protein forms I659V.
Identifiers: ClinVar variation 1719898 (VCV001719898.5), dbSNP rs1209436770, ClinGen allele CA385229974.

ClinVar aggregate classification (germline): Uncertain significance (1 of 4 stars; one submission).

Conditions:
Early-infantile DEE. Also called: Early infantile epileptic encephalopathy with suppression bursts; Early infantile epileptic encephalopathy; Ohtahara syndrome. Identifiers: Orphanet 1934, MedGen C0393706, MONDO:0800491.

Allele frequency attached by ClinVar (database versions not stated): TOPMed 0.00001; gnomAD 0.00001.
gnomAD v4.1: 2 of 1,600,784 alleles (0.00012%); highest among the groups gnomAD compares: African/African-American, 0.0027%; no homozygotes.

Submission:

Labcorp Genetics (formerly Invitae), Labcorp
Classification: Uncertain significance for Early-infantile DEE. Last evaluated: 2024-03-26. Review status: criteria provided, single submitter. Criteria: Invitae Variant Classification Sherloc (09022015). Collection method: clinical testing. Allele origin: germline.
Comment: This sequence change replaces isoleucine, which is neutral and non-polar, with valine, which is neutral and non-polar, at codon 659 of the SCN8A protein (p.Ile659Val). This variant is present in population databases (no rsID available, gnomAD 0.01%). This variant has not been reported in the literature in individuals affected with SCN8A-related conditions. ClinVar contains an entry for this variant (Variation ID: 1719898). Advanced modeling of protein sequence and biophysical properties (such as structural, functional, and spatial information, amino acid conservation, physicochemical variation, residue mobility, and thermodynamic stability) performed at Invitae indicates that this missense variant is not expected to disrupt SCN8A protein function with a negative predictive value of 95%. In summary, the available evidence is currently insufficient to determine the role of this variant in disease. Therefore, it has been classified as a Variant of Uncertain Significance.